The following is an entry in ClinVar:

ClinVar aggregate classification (germline): Uncertain significance. Review status: criteria provided, multiple submitters, no conflicts (2 of 4 stars). 2 submissions from 2 submitters: Uncertain significance (2). Last evaluated 2026-09-01.

Conditions:
Autosomal dominant limb-girdle muscular dystrophy type 1G (LGMDD3). Also called: Limb-girdle muscular dystrophy, type 1G; MUSCULAR DYSTROPHY, LIMB-GIRDLE, AUTOSOMAL DOMINANT 3. Identifiers: Orphanet 55596, MedGen C1836765, MONDO:0012193, OMIM 609115.

Allele frequency attached by ClinVar (database versions not stated): gnomAD 0.00001; gnomAD exomes 0.00001; TOPMed 0.00002.

Submissions (2):

CeGaT Center for Human Genetics Tuebingen
Classification: Uncertain significance. Last evaluated: 2026-09-01. Review status: criteria provided, single submitter. Criteria: CeGaT Center For Human Genetics Tuebingen Variant Classification Criteria Version 2. Collection method: clinical testing. Allele origin: germline. Affected: yes. Observed: 2 variant alleles.
Comment: HNRNPDL: PM2:Supporting

Labcorp Genetics (formerly Invitae), Labcorp
Classification: Uncertain significance for Autosomal dominant limb-girdle muscular dystrophy type 1G. Last evaluated: 2025-10-02. Review status: criteria provided, single submitter. Criteria: Invitae Variant Classification Sherloc (09022015). Collection method: clinical testing. Allele origin: germline.
Comment: This sequence change replaces threonine, which is neutral and polar, with alanine, which is neutral and non-polar, at codon 21 of the HNRNPDL protein (p.Thr21Ala). This variant is present in population databases (no rsID available, gnomAD 0.007%). This variant has not been reported in the literature in individuals affected with HNRNPDL-related conditions. ClinVar contains an entry for this variant (Variation ID: 1047059). An algorithm developed to predict the effect of missense changes on protein structure and function (PolyPhen-2) suggests that this variant is likely to be tolerated. In summary, the available evidence is currently insufficient to determine the role of this variant in disease. Therefore, it has been classified as a Variant of Uncertain Significance.

NM_031372.4(HNRNPDL):c.61A>G (p.Thr21Ala)

Gene: HNRNPDL (heterogeneous nuclear ribonucleoprotein D like; minus strand). Cytogenetic location: 4q21.22.
Variant type: single nucleotide variant.
Coding change: c.61A>G on transcript NM_031372.4 (MANE Select); coding-DNA position 61, A replaced by G.
Protein change: p.Thr21Ala; replaces threonine 21 with alanine.
Molecular consequence: missense variant. On other transcripts: non-coding transcript variant (1).
Genome position (GRCh38, 1-based): chr4:82,429,630, T>C on the plus strand (A>G on the coding strand, the complement: HNRNPDL is on the minus strand). VCF-style: chr4-82429630-T-C. GRCh37 (hg19) VCF-style: chr4-83350783-T-C.
Other names: c.61A>G, p.Thr21Ala (NM_001207000.1); short protein forms T21A.
Identifiers: ClinVar variation 1047059 (VCV001047059.33), dbSNP rs1057389514, ClinGen allele CA100599753.